The following is an entry in ClinVar:

ClinVar aggregate classification (germline): Uncertain significance. Review status: criteria provided, multiple submitters, no conflicts (2 of 4 stars). 2 submissions from 2 submitters: Uncertain significance (2). Last evaluated 2024-11-22.

Conditions:
Hereditary cancer-predisposing syndrome. Also called: Neoplastic Syndromes, Hereditary; Tumor predisposition; Hereditary neoplastic syndrome; Hereditary Cancer Syndrome. Identifiers: Orphanet 140162, MedGen C0027672, MeSH D009386, MONDO:0015356.

Allele frequency attached by ClinVar (database versions not stated): gnomAD exomes below 0.00001.
gnomAD v4.1: 1 of 1,602,296 alleles (0.000062%); highest among the groups gnomAD compares: Admixed American, 0.0017%; no homozygotes.

Submissions (2):

Ambry Genetics
Classification: Uncertain significance for Hereditary cancer-predisposing syndrome. Last evaluated: 2024-11-22. Review status: criteria provided, single submitter. Criteria: Ambry Variant Classification Scheme 2023. Collection method: clinical testing. Allele origin: germline.
Comment: The p.N90D variant (also known as c.268A>G), located in coding exon 3 of the RAD50 gene, results from an A to G substitution at nucleotide position 268. The asparagine at codon 90 is replaced by aspartic acid, an amino acid with highly similar properties. This amino acid position is conserved. In addition, this alteration is predicted to be tolerated by in silico analysis. Based on the available evidence, the clinical significance of this variant remains unclear.

Labcorp Genetics (formerly Invitae), Labcorp
Classification: Uncertain significance for Hereditary cancer-predisposing syndrome. Last evaluated: 2023-05-22. Review status: criteria provided, single submitter. Criteria: Invitae Variant Classification Sherloc (09022015). Collection method: clinical testing. Allele origin: germline.
Comment: Advanced modeling of protein sequence and biophysical properties (such as structural, functional, and spatial information, amino acid conservation, physicochemical variation, residue mobility, and thermodynamic stability) performed at Invitae indicates that this missense variant is expected to disrupt RAD50 protein function. In summary, the available evidence is currently insufficient to determine the role of this variant in disease. Therefore, it has been classified as a Variant of Uncertain Significance. ClinVar contains an entry for this variant (Variation ID: 568210). This variant has not been reported in the literature in individuals affected with RAD50-related conditions. This variant is present in population databases (no rsID available, gnomAD 0.003%). This sequence change replaces asparagine, which is neutral and polar, with aspartic acid, which is acidic and polar, at codon 90 of the RAD50 protein (p.Asn90Asp).

NM_005732.4(RAD50):c.268A>G (p.Asn90Asp)

Gene: RAD50 (RAD50 double strand break repair protein; plus strand). Cytogenetic location: 5q31.1.
Variant type: single nucleotide variant.
Coding change: c.268A>G on transcript NM_005732.4 (MANE Select); coding-DNA position 268, A replaced by G.
Protein change: p.Asn90Asp; replaces asparagine 90 with aspartic acid.
Molecular consequence: missense variant.
Genome position (GRCh38, 1-based): chr5:132,575,831, A>G. VCF-style: chr5-132575831-A-G. GRCh37 (hg19) VCF-style: chr5-131911523-A-G.
Other names: short protein forms N90D.
Identifiers: ClinVar variation 568210 (VCV000568210.10), dbSNP rs1351371742, ClinGen allele CA360930697.